The following is an entry in ClinVar:

NM_138295.5(PKD1L1):c.8209A>G (p.Met2737Val)

Genes: PKD1L1 (polycystin 1 like 1, transient receptor potential channel interacting; minus strand), PKD1L1-AS1 (PKD1L1 antisense RNA 1; plus strand). Cytogenetic location: 7p12.3.
Variant type: single nucleotide variant.
Coding change: c.8209A>G on transcript NM_138295.5 (MANE Select); coding-DNA position 8209, A replaced by G.
Protein change: p.Met2737Val; replaces methionine 2737 with valine.
Molecular consequence: missense variant.
Genome position (GRCh38, 1-based): chr7:47,796,135, T>C on the plus strand (A>G on the coding strand, the complement: PKD1L1 is on the minus strand). VCF-style: chr7-47796135-T-C. GRCh37 (hg19) VCF-style: chr7-47835733-T-C.
Other names: c.8209A>G (NM_138295.3); short protein forms M2737V.
Identifiers: ClinVar variation 2737662 (VCV002737662.5), dbSNP rs1335711769, ClinGen allele CA367464841.
Genomic context (GRCh38, chr7:47,796,135, plus strand): 5'-CATCTTTAAGTCTCACAAAAGATTTACTTTGAAAAGATTTTCTTTTTTGGGGTAAAGTCA[T>C]GAGAAAACCTCTCAGCTAGGAAAAAGAAAAAAATAAAGACAAATTTCATGTTAGCAGCCT-3'
Protein context (NP_612152.1, residues 2727-2747): LCFGMLRGFL[Met2737Val]TLPQKRKSFQ

ClinVar aggregate classification (germline): Uncertain significance. Review status: criteria provided, multiple submitters, no conflicts (2 of 4 stars). 3 submissions from 3 submitters: Uncertain significance (3). Last evaluated 2026-04-20.

Conditions:
PKD1L1-related disorder. Also called: PKD1L1-related condition.
Inborn genetic diseases. Identifiers: MedGen C0950123, MeSH D030342.

Allele frequency attached by ClinVar (database versions not stated): gnomAD 0.00003; TOPMed 0.00010.
gnomAD v4.1: 17 of 1,597,616 alleles (0.0011%); highest among the groups gnomAD compares: African/African-American, 0.019%; no homozygotes.

Submissions (3):

PreventionGenetics, part of Exact Sciences
Classification: Uncertain significance for PKD1L1-related condition. Last evaluated: 2026-04-20. Review status: criteria provided, single submitter. Criteria: ACMG Guidelines, 2015. Collection method: clinical testing. Allele origin: germline.
Comment: The PKD1L1 c.8209A>G variant is predicted to result in the amino acid substitution p.Met2737Val. To our knowledge, this variant has not been reported in the literature. This variant is reported in 0.012% of alleles in individuals of African descent in gnomAD. At this time, the clinical significance of this variant is uncertain due to the absence of conclusive functional and genetic evidence.

Labcorp Genetics (formerly Invitae), Labcorp
Classification: Uncertain significance. Last evaluated: 2023-12-09. Review status: criteria provided, single submitter. Criteria: Invitae Variant Classification Sherloc (09022015). Collection method: clinical testing. Allele origin: germline.
Comment: This sequence change replaces methionine, which is neutral and non-polar, with valine, which is neutral and non-polar, at codon 2737 of the PKD1L1 protein (p.Met2737Val). This variant is present in population databases (no rsID available, gnomAD 0.01%). This variant has not been reported in the literature in individuals affected with PKD1L1-related conditions. Advanced modeling of protein sequence and biophysical properties (such as structural, functional, and spatial information, amino acid conservation, physicochemical variation, residue mobility, and thermodynamic stability) performed at Invitae indicates that this missense variant is not expected to disrupt PKD1L1 protein function with a negative predictive value of 80%. In summary, the available evidence is currently insufficient to determine the role of this variant in disease. Therefore, it has been classified as a Variant of Uncertain Significance.

Ambry Genetics
Classification: Uncertain significance for Inborn genetic diseases. Last evaluated: 2023-12-07. Review status: criteria provided, single submitter. Criteria: Ambry Variant Classification Scheme 2023. Collection method: clinical testing. Allele origin: germline.